The following is an entry in ClinVar:

ClinVar aggregate classification (germline): Uncertain significance. Review status: criteria provided, multiple submitters, no conflicts (2 of 4 stars). 2 submissions from 2 submitters: Uncertain significance (2). Last evaluated 2024-09-15.

Conditions:
Hereditary nonpolyposis colorectal neoplasms. Identifiers: MedGen C0009405, MeSH D003123.
Hereditary cancer-predisposing syndrome. Also called: Hereditary Cancer Syndrome; Hereditary neoplastic syndrome; Tumor predisposition; Neoplastic Syndromes, Hereditary. Identifiers: Orphanet 140162, MedGen C0027672, MeSH D009386, MONDO:0015356.

Submissions (2):

Ambry Genetics
Classification: Uncertain significance for Hereditary cancer-predisposing syndrome. Last evaluated: 2024-09-15. Review status: criteria provided, single submitter. Criteria: Ambry Variant Classification Scheme 2023. Collection method: clinical testing. Allele origin: germline.
Comment: The p.A1268T variant (also known as c.3802G>A) is located in coding exon 9 of the MSH6 gene. The alanine at codon 1268 is replaced by threonine, an amino acid with similar properties. This change occurs in the first base pair of coding exon 9. This amino acid position is conserved. In addition, this alteration is predicted to be deleterious by in silico analysis. Based on the available evidence, the clinical significance of this variant remains unclear.

Labcorp Genetics (formerly Invitae), Labcorp
Classification: Uncertain significance for Hereditary nonpolyposis colorectal neoplasms. Last evaluated: 2021-12-23. Review status: criteria provided, single submitter. Criteria: Invitae Variant Classification Sherloc (09022015). Collection method: clinical testing. Allele origin: germline.
Comment: In summary, the available evidence is currently insufficient to determine the role of this variant in disease. Therefore, it has been classified as a Variant of Uncertain Significance. Algorithms developed to predict the effect of sequence changes on RNA splicing suggest that this variant may disrupt the consensus splice site. Algorithms developed to predict the effect of missense changes on protein structure and function are either unavailable or do not agree on the potential impact of this missense change (SIFT: "Deleterious"; PolyPhen-2: "Possibly Damaging"; Align-GVGD: "Class C0"). This variant has not been reported in the literature in individuals affected with MSH6-related conditions. This variant is not present in population databases (gnomAD no frequency). This sequence change replaces alanine, which is neutral and non-polar, with threonine, which is neutral and polar, at codon 1268 of the MSH6 protein (p.Ala1268Thr).

NM_000179.3(MSH6):c.3802G>A (p.Ala1268Thr)

Gene: MSH6 (mutS homolog 6; plus strand). Cytogenetic location: 2p16.3.
Variant type: single nucleotide variant.
Coding change: c.3802G>A on transcript NM_000179.3 (MANE Select); coding-DNA position 3802, G replaced by A.
Protein change: p.Ala1268Thr; replaces alanine 1268 with threonine.
Molecular consequence: missense variant.
Genome position (GRCh38, 1-based): chr2:47,806,452, G>A. VCF-style: chr2-47806452-G-A. GRCh37 (hg19) VCF-style: chr2-48033591-G-A.
Other names: c.3412G>A, p.Ala1138Thr (NM_001281492.2); c.2896G>A, p.Ala966Thr (NM_001281493.2, NM_001281494.2, NM_001406811.1 and 6 more transcripts); c.3898G>A, p.Ala1300Thr (NM_001406795.1); c.3802G>A, p.Ala1268Thr (NM_001406796.1, NM_001406808.1, NM_001406809.1); c.3505G>A, p.Ala1169Thr (NM_001406797.1, NM_001406801.1, NM_001406805.1 and 10 more transcripts); c.3628G>A, p.Ala1210Thr (NM_001406798.1); c.3277G>A, p.Ala1093Thr (NM_001406799.1, NM_001406806.1, NM_001406807.1); c.2938G>A, p.Ala980Thr (NM_001406803.1); and 7 more; short protein forms A1138T, A1169T, A1210T, A217T, A746T, A1093T, A583T, A966T.
Identifiers: ClinVar variation 1959817 (VCV001959817.6), dbSNP rs2104550959, ClinGen allele CA346761214.